The following is an entry in ClinVar:

ClinVar aggregate classification (germline): Uncertain significance (1 of 4 stars; one submission).

Conditions:
Long QT syndrome (LQTS). Identifiers: MedGen C0023976, MeSH D008133, MONDO:0002442. Disease mechanism: loss of function. Inheritance: Various modes of inheritance.

Submission:

Labcorp Genetics (formerly Invitae), Labcorp
Classification: Uncertain significance for Long QT syndrome. Last evaluated: 2022-05-02. Review status: criteria provided, single submitter. Criteria: Invitae Variant Classification Sherloc (09022015). Collection method: clinical testing. Allele origin: germline.
Comment: This sequence change creates a premature translational stop signal (p.Val1097Ilefs*27) in the KCNH2 gene. While this is not anticipated to result in nonsense mediated decay, it is expected to disrupt the last 63 amino acid(s) of the KCNH2 protein. In summary, the available evidence is currently insufficient to determine the role of this variant in disease. Therefore, it has been classified as a Variant of Uncertain Significance. This variant disrupts the C-terminus of the KCNH2 protein. Other variant(s) that disrupt this region (p.Glu1119*, p.S1107* ) have been observed in individuals with KCNH2-related conditions (PMID: 27920829, 32383558). This suggests that this may be a clinically significant region of the protein. This premature translational stop signal has been observed in individual(s) with clinical features of long QT syndrome (Invitae). This variant is not present in population databases (gnomAD no frequency).

Literature cited by the submitters: PubMed 27920829; PubMed 32383558.

NM_000238.4(KCNH2):c.3273_3288dup (p.Val1097fs)

Gene: KCNH2 (potassium voltage-gated channel subfamily H member 2; minus strand). Cytogenetic location: 7q36.1.
Variant type: Duplication.
Coding change: c.3273_3288dup on transcript NM_000238.4 (MANE Select); coding-DNA positions 3273 to 3288, 16 bases duplicated (ATCCCCGCTGTTGCCC).
Protein change: p.Val1097fs; shifts the reading frame from valine 1097.
Molecular consequence: frameshift variant.
Genome position (GRCh38, 1-based): chr7:150,946,919-150,946,934, GGGCAACAGCGGGGAT duplicated on the plus strand (ATCCCCGCTGTTGCCC on the coding strand, the reverse complement: KCNH2 is on the minus strand); duplicating any 16 consecutive bases within chr7:150,946,919-150,946,935 gives the same sequence; the c. name uses the placement nearest the transcript's 3' end. VCF-style (leftmost placement, unchanged base first): chr7-150946918-C-CGGGCAACAGCGGGGAT. GRCh37 (hg19) VCF-style: chr7-150644006-C-CGGGCAACAGCGGGGAT.
Other names: c.2984_2999dup, p.Val1001Ilefs (NM_001406753.1); c.2253_2268dup, p.Val757fs (NM_172057.3); short protein forms V757fs, V1097fs.
Identifiers: ClinVar variation 2133027 (VCV002133027.4), dbSNP rs2486000481, ClinGen allele CA2580077682.